The following is an entry in ClinVar:

NM_152743.4(BRAT1):c.1012C>T (p.Pro338Ser)

Gene: BRAT1 (BRCA1 associated ATM activator 1; minus strand). Cytogenetic location: 7p22.3.
Variant type: single nucleotide variant.
Coding change: c.1012C>T on transcript NM_152743.4 (MANE Select); coding-DNA position 1012, C replaced by T.
Protein change: p.Pro338Ser; replaces proline 338 with serine.
Molecular consequence: missense variant. On other transcripts: non-coding transcript variant (1).
Genome position (GRCh38, 1-based): chr7:2,542,123, G>A on the plus strand (C>T on the coding strand, the complement: BRAT1 is on the minus strand). VCF-style: chr7-2542123-G-A. GRCh37 (hg19) VCF-style: chr7-2581757-G-A.
Other names: c.1012C>T, p.Pro338Ser (NM_001350626.2); c.487C>T, p.Pro163Ser (NM_001350627.2); short protein forms P338S, P163S.
Identifiers: ClinVar variation 933311 (VCV000933311.8), dbSNP rs373020561, ClinGen allele CA4127978.

ClinVar aggregate classification (germline): Uncertain significance. Review status: criteria provided, multiple submitters, no conflicts (2 of 4 stars). 3 submissions from 3 submitters: Uncertain significance (3). Last evaluated 2024-02-22.

Conditions:
Neonatal-onset encephalopathy with rigidity and seizures. Also called: Lethal neonatal spasticity-epileptic encephalopathy syndrome. Identifiers: Orphanet 435845, MedGen C3281029, MONDO:0013784, OMIM 614498.

Allele frequency attached by ClinVar (database versions not stated): TOPMed 0.00003; ESP Exome Variant Server 0.00016.

Submissions (3):

Revvity Omics, Revvity
Classification: Uncertain significance. Last evaluated: 2024-02-22. Review status: criteria provided, single submitter. Criteria: ACMG Guidelines, 2015. Collection method: clinical testing. Allele origin: germline.

Labcorp Genetics (formerly Invitae), Labcorp
Classification: Uncertain significance for Neonatal-onset encephalopathy with rigidity and seizures. Last evaluated: 2022-04-23. Review status: criteria provided, single submitter. Criteria: Invitae Variant Classification Sherloc (09022015). Collection method: clinical testing. Allele origin: germline.
Comment: This sequence change replaces proline, which is neutral and non-polar, with serine, which is neutral and polar, at codon 338 of the BRAT1 protein (p.Pro338Ser). The frequency data for this variant in the population databases is considered unreliable, as metrics indicate poor data quality at this position in the gnomAD database. This variant has not been reported in the literature in individuals affected with BRAT1-related conditions. ClinVar contains an entry for this variant (Variation ID: 933311). Algorithms developed to predict the effect of missense changes on protein structure and function output the following: SIFT: "Tolerated"; PolyPhen-2: "Benign"; Align-GVGD: "Class C0". The serine amino acid residue is found in multiple mammalian species, which suggests that this missense change does not adversely affect protein function. In summary, the available evidence is currently insufficient to determine the role of this variant in disease. Therefore, it has been classified as a Variant of Uncertain Significance.

GeneDx
Classification: Uncertain significance. Last evaluated: 2020-04-14. Review status: criteria provided, single submitter. Criteria: GeneDx Variant Classification Process June 2021. Collection method: clinical testing. Allele origin: germline. Affected: yes.
Comment: In silico analysis, which includes protein predictors and evolutionary conservation, supports that this variant does not alter protein structure/function; Has not been previously published as pathogenic or benign to our knowledge